The following is an entry in ClinVar:

ClinVar aggregate classification (germline): Conflicting classifications of pathogenicity. Review status: criteria provided, conflicting classifications (1 of 4 stars). 3 submissions from 3 submitters: Uncertain significance (2); Likely benign (1). Last evaluated 2023-03-01.

Conditions:
Isolated thyroid-stimulating hormone deficiency. Also called: Hypothryoidism, congenital, nongoitrous 4; PITUITARY CRETINISM; Thyroid-stimulating hormone, deficiency of; THYROID-STIMULATING HORMONE DEFICIENCY; THYROTROPIN DEFICIENCY, ISOLATED; TSH DEFICIENCY. Identifiers: Orphanet 90674, MedGen C0271789, MONDO:0010139, OMIM 275100.

Allele frequency attached by ClinVar (database versions not stated): gnomAD 0.00368 and 0.00400; TOPMed 0.00382; 1000 Genomes Project 0.00439; 1000 Genomes Project 30x 0.00515.
gnomAD v4.1: 8,187 of 1,537,130 alleles (0.53%); highest among the groups gnomAD compares: Middle Eastern, 2.1%; 47 homozygotes.

Submissions (3):

CeGaT Center for Human Genetics Tuebingen
Classification: Likely benign. Last evaluated: 2023-03-01. Review status: criteria provided, single submitter. Criteria: CeGaT Center For Human Genetics Tuebingen Variant Classification Criteria Version 2. Collection method: clinical testing. Allele origin: germline. Affected: yes. Observed: 3 variant alleles.
Comment: TSHB: BS2

Illumina Laboratory Services, Illumina
Classification: Uncertain significance for Isolated thyroid-stimulating hormone deficiency. Last evaluated: 2018-01-13. Review status: criteria provided, single submitter. Criteria: ICSL Variant Classification Criteria 13 December 2019. Collection method: clinical testing. Allele origin: germline.

Breakthrough Genomics
Classification: Uncertain significance. Review status: criteria provided, single submitter. Criteria: ACMG Guidelines, 2015. Collection method: not provided. Allele origin: germline. Inheritance: Autosomal recessive inheritance. Affected: yes.

NM_000549.5(TSHB):c.*64T>C

Gene: TSHB (thyroid stimulating hormone subunit beta; plus strand). Cytogenetic location: 1p13.2.
Variant type: single nucleotide variant.
Coding change: c.*64T>C on transcript NM_000549.5 (MANE Select); 64 bases downstream of the stop codon, T replaced by C.
Molecular consequence: 3 prime UTR variant.
Genome position (GRCh38, 1-based): chr1:115,034,291, T>C. VCF-style: chr1-115034291-T-C. GRCh37 (hg19) VCF-style: chr1-115576912-T-C.
Other names: c.*64T>C (NM_001277991.1).
Identifiers: ClinVar variation 875322 (VCV000875322.29), dbSNP rs41312672, ClinGen allele CA29084147.